The following is an entry in ClinVar:

ClinVar aggregate classification (germline): Pathogenic (1 of 4 stars; one submission).

Conditions:
Asphyxiating thoracic dystrophy 3. Also called: SHORT-RIB THORACIC DYSPLASIA 3 WITH OR WITHOUT POLYDACTYLY; POLYDACTYLY WITH NEONATAL CHONDRODYSTROPHY, TYPE I; SHORT-RIB THORACIC DYSPLASIA 3/6 WITH POLYDACTYLY, DIGENIC; Short rib polydactyly syndrome 2B; Saldino-Noonan Syndrome. Identifiers: Orphanet 474, Orphanet 93269, Orphanet 93270, Orphanet 93271, MedGen C0036069, MONDO:0013127, OMIM 613091.

Submission:

Myriad Genetics, Inc.
Classification: Pathogenic for Asphyxiating thoracic dystrophy 3. Last evaluated: 2026-04-13. Review status: criteria provided, single submitter. Criteria: Myriad Autosomal Dominant, Autosomal Recessive and X-Linked Classification Criteria (2023). Collection method: clinical testing. Allele origin: unknown.
Comment: NM_001377.2(DYNC2H1):c.8385delT(S2795Rfs*22) is expected to be pathogenic in the context of DYNC2H1-related disorders. This variant is predicted to lead to an abnormal or absent protein product due to the creation of a premature termination codon in DYNC2H1, a gene where loss-of-function variants are known to be pathogenic. Please note: this variant was assessed in the context of healthy population screening.

NM_001377.3(DYNC2H1):c.8385del (p.Ser2795fs)

Gene: DYNC2H1 (dynein cytoplasmic 2 heavy chain 1; plus strand). Cytogenetic location: 11q22.3.
Variant type: Deletion.
Coding change: c.8385del on transcript NM_001377.3 (MANE Select); coding-DNA position 8385, one base deleted (T; older notation c.8385delT).
Protein change: p.Ser2795fs; shifts the reading frame from serine 2795.
Molecular consequence: frameshift variant.
Genome position (GRCh38, 1-based): chr11:103,204,895, T deleted. VCF-style (leftmost placement, unchanged base first): chr11-103204894-GT-G. GRCh37 (hg19) VCF-style: chr11-103075623-GT-G.
Other names: c.8385del, p.Ser2795fs (NM_001080463.2); short protein forms S2795fs.
Identifiers: ClinVar variation 5015798 (VCV005015798.1).
Genomic context (GRCh38, chr11:103,204,894, plus strand): 5'-ACTTGCATATTGTCTTGATAATGGATTCTGCAAATTCAAACTTCATGATAAACTGTGAGA[GT>G]AATCCAGCTTTGCATAAGAAATGCCAGGTGTTGTGGATGGAGGGTTGGTCCAATAGCAGT-3'